The following is an entry in ClinVar:

ClinVar aggregate classification (germline): Uncertain significance (1 of 4 stars; one submission).

Submission:

Labcorp Genetics (formerly Invitae), Labcorp
Classification: Uncertain significance. Last evaluated: 2025-12-23. Review status: criteria provided, single submitter. Criteria: Invitae Variant Classification Sherloc (09022015). Collection method: clinical testing. Allele origin: germline.
Comment: This sequence change replaces arginine, which is basic and polar, with glycine, which is neutral and non-polar, at codon 331 of the KLF1 protein (p.Arg331Gly). This variant is not present in population databases (gnomAD no frequency). This missense change has been observed in individual(s) with In(Lu) blood group phenotype (PMID: 18487511). Invitae Evidence Modeling of protein sequence and biophysical properties (such as structural, functional, and spatial information, amino acid conservation, physicochemical variation, residue mobility, and thermodynamic stability) indicates that this missense variant is expected to disrupt KLF1 protein function with a positive predictive value of 80%. Experimental studies have shown that this missense change affects KLF1 function (PMID: 21778342). In summary, the available evidence is currently insufficient to determine the role of this variant in disease. Therefore, it has been classified as a Variant of Uncertain Significance.

Literature cited by the submitters: PubMed 18487511; PubMed 21778342.

NM_006563.5(KLF1):c.991C>G (p.Arg331Gly)

Genes: KLF1 (KLF transcription factor 1; minus strand), LOC117125591 (CRISPRi-FlowFISH-validated PRDX2 and RAD23A regulatory element; plus strand). Cytogenetic location: 19p13.13.
Variant type: single nucleotide variant.
Coding change: c.991C>G on transcript NM_006563.5 (MANE Select); coding-DNA position 991, C replaced by G.
Protein change: p.Arg331Gly; replaces arginine 331 with glycine.
Molecular consequence: missense variant.
Genome position (GRCh38, 1-based): chr19:12,884,983, G>C on the plus strand (C>G on the coding strand, the complement: KLF1 is on the minus strand). VCF-style: chr19-12884983-G-C. GRCh37 (hg19) VCF-style: chr19-12995797-G-C.
Other names: short protein forms R331G.
Identifiers: ClinVar variation 4710512 (VCV004710512.1).
Genomic context (GRCh38, chr19:12,884,983, plus strand): 5'-AGCGCGAAAAAGCACGTGGGCAGAGCTGGCAGCGGAAGGGGCGCTGCCCCGTGTGTTTCC[G>C]GTAGTGGCGGGTCAGCTCGTCCGAGCGCGCGAATCTCCAGCCGCAGCCTTCCCACGTGCA-3'
Protein context (NP_006554.1, residues 321-341): ARSDELTRHY[Arg331Gly]KHTGQRPFRC